The following is an entry in ClinVar:

ClinVar aggregate classification (germline): Likely benign. Review status: criteria provided, multiple submitters, no conflicts (2 of 4 stars). 4 submissions from 4 submitters: Likely benign (3). 1 of the submissions does not count toward it. Last evaluated 2025-12-11.

Conditions:
DNAH5-related disorder. Also called: DNAH5-related condition.
Primary ciliary dyskinesia. Also called: Ciliary dyskinesia. Identifiers: Orphanet 244, MedGen C0008780, MONDO:0016575, HP:0012265.

Allele frequency attached by ClinVar (database versions not stated): ExAC 0.00008; gnomAD exomes 0.00009 and 0.00011; gnomAD 0.00011; TOPMed 0.00012; ESP Exome Variant Server 0.00023.
gnomAD v4.1: 183 of 1,613,920 alleles (0.011%); highest among the groups gnomAD compares: Non-Finnish European, 0.014%; no homozygotes.

Submissions (4):

Labcorp Genetics (formerly Invitae), Labcorp
Classification: Likely benign for Primary ciliary dyskinesia. Last evaluated: 2025-12-11. Review status: criteria provided, single submitter. Criteria: Invitae Variant Classification Sherloc (09022015). Collection method: clinical testing. Allele origin: germline.

Blueprint Genetics
Classification: Likely benign. Last evaluated: 2023-04-26. Review status: criteria provided, single submitter. Criteria: ACMG Guidelines, 2015. Collection method: clinical testing. Allele origin: germline.

Ambry Genetics
Classification: Likely benign for Primary ciliary dyskinesia. Last evaluated: 2022-04-09. Review status: criteria provided, single submitter. Criteria: Ambry Variant Classification Scheme 2023. Collection method: clinical testing. Allele origin: germline.

PreventionGenetics, part of Exact Sciences
Classification: Likely benign for DNAH5-related condition. Last evaluated: 2019-03-25. Review status: no assertion criteria provided. Collection method: clinical testing. Allele origin: germline. Not counted in ClinVar's aggregate classification.
Comment: This variant is classified as likely benign based on ACMG/AMP sequence variant interpretation guidelines (Richards et al. 2015 PMID: 25741868, with internal and published modifications).

NM_001369.3(DNAH5):c.4860C>T (p.Asp1620=)

Genes: DNAH5 (dynein axonemal heavy chain 5; minus strand), LOC126807318 (MED14-independent group 3 enhancer GRCh37_chr5:13858976-13860175; plus strand). Cytogenetic location: 5p15.2.
Variant type: single nucleotide variant.
Coding change: c.4860C>T on transcript NM_001369.3 (MANE Select); coding-DNA position 4860, C replaced by T.
Protein change: p.Asp1620=; no amino-acid change (aspartic acid 1620 retained).
Molecular consequence: synonymous variant.
Genome position (GRCh38, 1-based): chr5:13,859,542, G>A on the plus strand (C>T on the coding strand, the complement: DNAH5 is on the minus strand). VCF-style: chr5-13859542-G-A. GRCh37 (hg19) VCF-style: chr5-13859651-G-A.
Identifiers: ClinVar variation 698817 (VCV000698817.16), dbSNP rs139447802, ClinGen allele CA3203858.